The following is an entry in ClinVar:

NM_000090.4(COL3A1):c.3559C>T (p.Pro1187Ser)

Gene: COL3A1 (collagen type III alpha 1 chain; plus strand). Cytogenetic location: 2q32.2.
Variant type: single nucleotide variant.
Coding change: c.3559C>T on transcript NM_000090.4 (MANE Select); coding-DNA position 3559, C replaced by T.
Protein change: p.Pro1187Ser; replaces proline 1187 with serine.
Molecular consequence: missense variant.
Genome position (GRCh38, 1-based): chr2:189,008,957, C>T. VCF-style: chr2-189008957-C-T. GRCh37 (hg19) VCF-style: chr2-189873683-C-T.
Other names: short protein forms P1187S.
Identifiers: ClinVar variation 1447849 (VCV001447849.9), dbSNP rs2153504076, ClinGen allele CA349846636.

ClinVar aggregate classification (germline): Uncertain significance. Review status: criteria provided, multiple submitters, no conflicts (2 of 4 stars). 2 submissions from 2 submitters: Uncertain significance (2). Last evaluated 2024-02-24.

Conditions:
Ehlers-Danlos syndrome, type 4 (EDSVASC). Also called: Ehlers-Danlos syndrome vascular type; Ehlers Danlos syndrome, ecchymotic type; Ehlers Danlos syndrome, arterial type; Ehlers Danlos syndrome, Sack-Barabas type; Ehlers-Danlos Syndrome Type IV. Identifiers: Orphanet 286, MedGen C0268338, MONDO:0017314, OMIM 130050.

Submissions (2):

Labcorp Genetics (formerly Invitae), Labcorp
Classification: Uncertain significance for Ehlers-Danlos syndrome, type 4. Last evaluated: 2024-02-24. Review status: criteria provided, single submitter. Criteria: Invitae Variant Classification Sherloc (09022015). Collection method: clinical testing. Allele origin: germline.
Comment: This sequence change replaces proline, which is neutral and non-polar, with serine, which is neutral and polar, at codon 1187 of the COL3A1 protein (p.Pro1187Ser). This variant is not present in population databases (gnomAD no frequency). This variant has not been reported in the literature in individuals affected with COL3A1-related conditions. ClinVar contains an entry for this variant (Variation ID: 1447849). Advanced modeling of protein sequence and biophysical properties (such as structural, functional, and spatial information, amino acid conservation, physicochemical variation, residue mobility, and thermodynamic stability) performed at Invitae indicates that this missense variant is not expected to disrupt COL3A1 protein function with a negative predictive value of 95%. In summary, the available evidence is currently insufficient to determine the role of this variant in disease. Therefore, it has been classified as a Variant of Uncertain Significance.

All of Us Research Program, National Institutes of Health
Classification: Uncertain significance for Ehlers-Danlos syndrome, type 4. Last evaluated: 2023-07-10. Review status: criteria provided, single submitter. Criteria: ACMG Guidelines, 2015. Collection method: clinical testing. Allele origin: germline. Inheritance: Autosomal dominant inheritance. Observed: 1 variant allele, 1 heterozygote.
Comment: This missense variant replaces proline with serine at codon 1187 of the COL3A1 protein. Computational prediction is inconclusive regarding the impact of this variant on protein structure and function (internally defined REVEL score threshold 0.5 < inconclusive < 0.7, PMID: 27666373). To our knowledge, functional studies have not been reported for this variant. This variant has not been reported in individuals affected with COL3A1-related disorders in the literature. This variant has not been identified in the general population by the Genome Aggregation Database (gnomAD). The available evidence is insufficient to determine the role of this variant in disease conclusively. Therefore, this variant is classified as a Variant of Uncertain Significance.

This study involves interpretation of variants in research participants for the purpose of population health screening. Participant phenotype was not available at the time of variant classification. Additional details can be found in publication PMID: 35346344, PMCID: PMC8962531